The following is an entry in ClinVar:

NM_001005373.4(LRSAM1):c.1751A>C (p.Glu584Ala)

Gene: LRSAM1 (leucine rich repeat and sterile alpha motif containing 1; plus strand). Cytogenetic location: 9q33.3.
Variant type: single nucleotide variant.
Coding change: c.1751A>C on transcript NM_001005373.4 (MANE Select); coding-DNA position 1751, A replaced by C.
Protein change: p.Glu584Ala; replaces glutamic acid 584 with alanine.
Molecular consequence: missense variant. On other transcripts: non-coding transcript variant (2).
Genome position (GRCh38, 1-based): chr9:127,496,016, A>C. VCF-style: chr9-127496016-A-C. GRCh37 (hg19) VCF-style: chr9-130258295-A-C.
Other names: c.1751A>C, p.Glu584Ala (NM_001005374.4, NM_001384142.1, NM_138361.5); c.1670A>C, p.Glu557Ala (NM_001190723.3); c.1652A>C, p.Glu551Ala (NM_001384143.1); c.962A>C, p.Glu321Ala (NM_001384144.1); short protein forms E321A, E557A, E551A, E584A.
Identifiers: ClinVar variation 2826492 (VCV002826492.3), dbSNP rs2539445941, ClinGen allele CA374935734.

ClinVar aggregate classification (germline): Uncertain significance (1 of 4 stars; one submission).

Conditions:
Charcot-Marie-Tooth disease axonal type 2P. Also called: Charcot-Marie-Tooth Neuropathy Type 2G; CHARCOT-MARIE-TOOTH NEUROPATHY, TYPE 2P; CHARCOT-MARIE-TOOTH DISEASE, AXONAL, TYPE 2G; CMT 2G. Identifiers: Orphanet 300319, Orphanet 99941, MedGen C3280797, MONDO:0013753, OMIM 614436.

Submission:

Labcorp Genetics (formerly Invitae), Labcorp
Classification: Uncertain significance for Charcot-Marie-Tooth disease axonal type 2P. Last evaluated: 2023-01-06. Review status: criteria provided, single submitter. Criteria: Invitae Variant Classification Sherloc (09022015). Collection method: clinical testing. Allele origin: germline.
Comment: This variant has not been reported in the literature in individuals affected with LRSAM1-related conditions. This variant is not present in population databases (gnomAD no frequency). This sequence change replaces glutamic acid, which is acidic and polar, with alanine, which is neutral and non-polar, at codon 584 of the LRSAM1 protein (p.Glu584Ala). Algorithms developed to predict the effect of missense changes on protein structure and function (SIFT, PolyPhen-2, Align-GVGD) all suggest that this variant is likely to be disruptive. In summary, the available evidence is currently insufficient to determine the role of this variant in disease. Therefore, it has been classified as a Variant of Uncertain Significance.